The following is an entry in ClinVar:

NM_002691.4(POLD1):c.1658T>C (p.Val553Ala)

Gene: POLD1 (DNA polymerase delta 1, catalytic subunit; plus strand). Cytogenetic location: 19q13.33.
Variant type: single nucleotide variant.
Coding change: c.1658T>C on transcript NM_002691.4 (MANE Select); coding-DNA position 1658, T replaced by C.
Protein change: p.Val553Ala; replaces valine 553 with alanine.
Molecular consequence: missense variant. On other transcripts: non-coding transcript variant (1).
Genome position (GRCh38, 1-based): chr19:50,407,146, T>C. VCF-style: chr19-50407146-T-C. GRCh37 (hg19) VCF-style: chr19-50910403-T-C.
Other names: c.1658T>C, p.Val553Ala (NM_001256849.1, NM_001308632.1); short protein forms V553A.
Identifiers: ClinVar variation 408014 (VCV000408014.13), dbSNP rs1060501822, ClinGen allele CA16616149.

ClinVar aggregate classification (germline): Uncertain significance. Review status: criteria provided, multiple submitters, no conflicts (2 of 4 stars). 2 submissions from 2 submitters: Uncertain significance (2). Last evaluated 2025-11-30.

Conditions:
POLD1-related polyposis and colorectal cancer syndrome (CRCS10). Also called: Colorectal cancer, susceptibility to, 10; Colorectal cancer 10; COLORECTAL CANCER, SUSCEPTIBILITY TO, ON CHROMOSOME 19q. Identifiers: Orphanet 220460, MedGen C2675481, MONDO:0012953, OMIM 612591.
Hereditary cancer-predisposing syndrome. Also called: Neoplastic Syndromes, Hereditary; Hereditary neoplastic syndrome; Hereditary Cancer Syndrome; Tumor predisposition. Identifiers: Orphanet 140162, MedGen C0027672, MeSH D009386, MONDO:0015356.

Allele frequency attached by ClinVar (database versions not stated): TOPMed below 0.00001; gnomAD 0.00001.

Submissions (2):

Labcorp Genetics (formerly Invitae), Labcorp
Classification: Uncertain significance for POLD1-related polyposis and colorectal cancer syndrome. Last evaluated: 2025-11-30. Review status: criteria provided, single submitter. Criteria: Invitae Variant Classification Sherloc (09022015). Collection method: clinical testing. Allele origin: germline.
Comment: This sequence change replaces valine, which is neutral and non-polar, with alanine, which is neutral and non-polar, at codon 553 of the POLD1 protein (p.Val553Ala). This variant is not present in population databases (gnomAD no frequency). This variant has not been reported in the literature in individuals affected with POLD1-related conditions. ClinVar contains an entry for this variant (Variation ID: 408014). Invitae Evidence Modeling of protein sequence and biophysical properties (such as structural, functional, and spatial information, amino acid conservation, physicochemical variation, residue mobility, and thermodynamic stability) indicates that this missense variant is not expected to disrupt POLD1 protein function with a negative predictive value of 80%. In summary, the available evidence is currently insufficient to determine the role of this variant in disease. Therefore, it has been classified as a Variant of Uncertain Significance.

Ambry Genetics
Classification: Uncertain significance for Hereditary cancer-predisposing syndrome. Last evaluated: 2022-02-05. Review status: criteria provided, single submitter. Criteria: Ambry Variant Classification Scheme 2023. Collection method: clinical testing. Allele origin: germline.
Comment: The p.V553A variant (also known as c.1658T>C), located in coding exon 12 of the POLD1 gene, results from a T to C substitution at nucleotide position 1658. The valine at codon 553 is replaced by alanine, an amino acid with similar properties. This amino acid position is conserved. In addition, this alteration is predicted to be tolerated by in silico analysis. Since supporting evidence is limited at this time, the clinical significance of this alteration remains unclear.